The following is an entry in ClinVar:

ClinVar aggregate classification (germline): Likely benign. Review status: criteria provided, multiple submitters, no conflicts (2 of 4 stars). 2 submissions from 2 submitters: Likely benign (2). Last evaluated 2022-03-09.

Conditions:
Megaconial type congenital muscular dystrophy (MDCMC). Also called: CHKB-Related Muscular Dystrophy; CHKB-Related Muscle Diseases; MUSCULAR DYSTROPHY, CONGENITAL, WITH MITOCHONDRIAL STRUCTURAL ABNORMALITIES. Identifiers: Orphanet 280671, MedGen C1865233, MONDO:0011246, OMIM 602541.

Allele frequency attached by ClinVar (database versions not stated): ExAC 0.00002; TOPMed 0.00002.
gnomAD v4.1: 64 of 1,611,796 alleles (0.004%); highest among the groups gnomAD compares: Non-Finnish European, 0.0047%; no homozygotes.

Submissions (2):

Labcorp Genetics (formerly Invitae), Labcorp
Classification: Likely benign for Megaconial type congenital muscular dystrophy. Last evaluated: 2022-03-09. Review status: criteria provided, single submitter. Criteria: Invitae Variant Classification Sherloc (09022015). Collection method: clinical testing. Allele origin: germline.

GeneDx
Classification: Likely benign. Last evaluated: 2016-07-21. Review status: criteria provided, single submitter. Criteria: GeneDx Variant Classification (06012015). Collection method: clinical testing. Allele origin: germline. Affected: yes.
Comment: This variant is considered likely benign or benign based on one or more of the following criteria: it is a conservative change, it occurs at a poorly conserved position in the protein, it is predicted to be benign by multiple in silico algorithms, and/or has population frequency not consistent with disease.

NM_005198.5(CHKB):c.447+12G>C

Genes: CHKB-CPT1B (CHKB-CPT1B readthrough (NMD candidate); minus strand), CHKB (choline kinase beta; minus strand). Cytogenetic location: 22q13.33.
Variant type: single nucleotide variant.
Coding change: c.447+12G>C on transcript NM_005198.5 (MANE Select); 12 bases into the intron after coding-DNA position 447, G replaced by C.
Molecular consequence: intron variant.
Genome position (GRCh38, 1-based): chr22:50,581,737, C>G on the plus strand (G>C on the coding strand, the complement: CHKB is on the minus strand). VCF-style: chr22-50581737-C-G. GRCh37 (hg19) VCF-style: chr22-51020166-C-G.
Identifiers: ClinVar variation 387367 (VCV000387367.8), dbSNP rs749454476, ClinGen allele CA10323778.